The following is an entry in ClinVar:

ClinVar aggregate classification (germline): Conflicting classifications of pathogenicity. Review status: criteria provided, conflicting classifications (1 of 4 stars). 8 submissions from 8 submitters: Uncertain significance (1); Likely benign (6). 1 of the submissions does not count toward it. Last evaluated 2026-01-19.

Conditions:
MUTYH-related disorder. Also called: MUTYH-related condition; MUTYH-related disorders.
Hereditary cancer-predisposing syndrome. Also called: Tumor predisposition; Neoplastic Syndromes, Hereditary; Hereditary neoplastic syndrome; Hereditary Cancer Syndrome. Identifiers: Orphanet 140162, MedGen C0027672, MeSH D009386, MONDO:0015356.
Familial adenomatous polyposis 2. Also called: MUTYH-related attenuated familial adenomatous polyposis; MUTYH-associated polyposis; MUTYH Polyposis; COLORECTAL ADENOMATOUS POLYPOSIS, AUTOSOMAL RECESSIVE; ADENOMAS, MULTIPLE COLORECTAL, AUTOSOMAL RECESSIVE; MYH-associated polyposis. Identifiers: Orphanet 220460, Orphanet 247798, MedGen C3272841, MONDO:0012041, OMIM 608456.

Allele frequency attached by ClinVar (database versions not stated): ExAC 0.00001; gnomAD exomes 0.00001; TOPMed 0.00003; gnomAD 0.00004; ESP Exome Variant Server 0.00008.

Submissions (8):

Labcorp Genetics (formerly Invitae), Labcorp
Classification: Likely benign for Familial adenomatous polyposis 2. Last evaluated: 2026-01-19. Review status: criteria provided, single submitter. Criteria: Invitae Variant Classification Sherloc (09022015). Collection method: clinical testing. Allele origin: germline.

Quest Diagnostics Nichols Institute San Juan Capistrano
Classification: Uncertain significance. Last evaluated: 2025-06-06. Review status: criteria provided, single submitter. Criteria: Quest Diagnostics criteria. Collection method: clinical testing. Allele origin: unknown.
Comment: The MUTYH c.409C>T (p.Leu137=) synonymous variant has not been reported in individuals with MUTYH-related conditions in the published literature. The frequency of this variant in the general population (Genome Aggregation Database) is uninformative in the assessment of its pathogenicity. Analysis of this variant using software algorithms for the prediction of the effect of nucleotide changes on splicing yielded predictions that this variant does not affect MUTYH mRNA splicing. Based on the available information, we are unable to determine the clinical significance of this variant.

Ambry Genetics
Classification: Likely benign for Hereditary cancer-predisposing syndrome. Last evaluated: 2024-05-28. Review status: criteria provided, single submitter. Criteria: Ambry Variant Classification Scheme 2023. Collection method: clinical testing. Allele origin: germline.

All of Us Research Program, National Institutes of Health
Classification: Likely benign for Familial adenomatous polyposis 2. Last evaluated: 2023-10-30. Review status: criteria provided, single submitter. Criteria: ACMG Guidelines, 2015. Collection method: clinical testing. Allele origin: germline. Inheritance: Autosomal recessive inheritance. Observed: 8 variant alleles, 8 heterozygotes.
Comment: This study involves interpretation of variants in research participants for the purpose of population health screening. Participant phenotype was not available at the time of variant classification. Additional details can be found in publication PMID: 35346344, PMCID: PMC8962531

GeneDx
Classification: Likely benign. Last evaluated: 2020-11-11. Review status: criteria provided, single submitter. Criteria: GeneDx Variant Classification Process June 2021. Collection method: clinical testing. Allele origin: germline. Affected: yes.

Women's Health and Genetics/Laboratory Corporation of America, LabCorp
Classification: Likely benign. Last evaluated: 2019-08-29. Review status: criteria provided, single submitter. Criteria: LabCorp Variant Classification Summary - May 2015. Collection method: clinical testing. Allele origin: germline.

Color Diagnostics, LLC DBA Color Health
Classification: Likely benign for Hereditary cancer-predisposing syndrome. Last evaluated: 2017-08-01. Review status: criteria provided, single submitter. Criteria: ACMG Guidelines, 2015. Collection method: clinical testing. Allele origin: germline.

PreventionGenetics, part of Exact Sciences
Classification: Likely benign for MUTYH-related condition. Last evaluated: 2021-04-01. Review status: no assertion criteria provided. Collection method: clinical testing. Allele origin: germline. Not counted in ClinVar's aggregate classification.
Comment: This variant is classified as likely benign based on ACMG/AMP sequence variant interpretation guidelines (Richards et al. 2015 PMID: 25741868, with internal and published modifications).

NM_001048174.2(MUTYH):c.325C>T (p.Leu109=)

Gene: MUTYH (mutY DNA glycosylase; minus strand). Cytogenetic location: 1p34.1.
Variant type: single nucleotide variant.
Coding change: c.325C>T on transcript NM_001048174.2 (MANE Select); coding-DNA position 325, C replaced by T.
Protein change: p.Leu109=; no amino-acid change (leucine 109 retained).
Molecular consequence: synonymous variant. On other transcripts: non-coding transcript variant (1), intron variant (2).
Genome position (GRCh38, 1-based): chr1:45,333,150, G>A on the plus strand (C>T on the coding strand, the complement: MUTYH is on the minus strand). VCF-style: chr1-45333150-G-A. GRCh37 (hg19) VCF-style: chr1-45798822-G-A.
Other names: c.325C>T, p.Leu109= (NM_001048171.2, NM_001048173.2, NM_001293195.2); c.328C>T, p.Leu110= (NM_001048172.2); c.409C>T, p.Leu137= (NM_001128425.2); c.370C>T, p.Leu124= (NM_001293190.2); c.358C>T, p.Leu120= (NM_001293191.2); c.49C>T, p.Leu17= (NM_001293192.2, NM_001293196.2); c.400C>T, p.Leu134= (NM_012222.3); c.33+135C>T (NM_001350651.2, NM_001350650.2).
Identifiers: ClinVar variation 184168 (VCV000184168.27), dbSNP rs368963039, ClinGen allele CA013540.